The following is an entry in ClinVar:

ClinVar aggregate classification (germline): Uncertain significance. Review status: criteria provided, multiple submitters, no conflicts (2 of 4 stars). 4 submissions from 4 submitters: Uncertain significance (4). Last evaluated 2024-10-24.

Conditions:
Cardiovascular phenotype. Identifiers: MedGen CN230736.
Dilated cardiomyopathy 1J (CMD1J). Also called: CARDIOMYOPATHY, DILATED, WITH SENSORINEURAL HEARING LOSS, AUTOSOMAL DOMINANT. Identifiers: Orphanet 217622, MedGen C1854368, MONDO:0011541, OMIM 605362.
Autosomal dominant nonsyndromic hearing loss 10. Identifiers: Orphanet 90635, MedGen C1832476, MONDO:0011031, OMIM 601316.

Allele frequency attached by ClinVar (database versions not stated): TOPMed 0.00001; gnomAD exomes 0.00003.
gnomAD v4.1: 38 of 1,614,060 alleles (0.0024%); highest among the groups gnomAD compares: Non-Finnish European, 0.0031%; no homozygotes.

Submissions (4):

Ambry Genetics
Classification: Uncertain significance for Cardiovascular phenotype. Last evaluated: 2024-10-24. Review status: criteria provided, single submitter. Criteria: Ambry Variant Classification Scheme 2023. Collection method: clinical testing. Allele origin: germline.
Comment: The p.S153C variant (also known as c.458C>G), located in coding exon 7 of the EYA4 gene, results from a C to G substitution at nucleotide position 458. The serine at codon 153 is replaced by cysteine, an amino acid with dissimilar properties. This variant was not reported in population based cohorts in the following databases: Database of Single Nucleotide Polymorphisms (dbSNP), NHLBI Exome Sequencing Project (ESP), and 1000 Genomes Project. In the ESP, this variant was not observed in 6503 samples (13006 alleles) with coverage at this position. This amino acid position is highly conserved in available vertebrate species. In addition, this alteration is predicted to be deleterious by in silico analysis. Since supporting evidence is limited at this time, the clinical significance of this alteration remains unclear.

Labcorp Genetics (formerly Invitae), Labcorp
Classification: Uncertain significance for Dilated cardiomyopathy 1J. Last evaluated: 2024-05-07. Review status: criteria provided, single submitter. Criteria: Invitae Variant Classification Sherloc (09022015). Collection method: clinical testing. Allele origin: germline.
Comment: This sequence change replaces serine, which is neutral and polar, with cysteine, which is neutral and slightly polar, at codon 153 of the EYA4 protein (p.Ser153Cys). This variant is not present in population databases (gnomAD no frequency). This variant has not been reported in the literature in individuals affected with EYA4-related conditions. ClinVar contains an entry for this variant (Variation ID: 518569). Advanced modeling of protein sequence and biophysical properties (such as structural, functional, and spatial information, amino acid conservation, physicochemical variation, residue mobility, and thermodynamic stability) performed at Invitae indicates that this missense variant is not expected to disrupt EYA4 protein function with a negative predictive value of 80%. In summary, the available evidence is currently insufficient to determine the role of this variant in disease. Therefore, it has been classified as a Variant of Uncertain Significance.

Fulgent Genetics
Classification: Uncertain significance for Autosomal dominant nonsyndromic hearing loss 10; Dilated cardiomyopathy 1J. Last evaluated: 2024-05-01. Review status: criteria provided, single submitter. Criteria: ACMG Guidelines, 2015. Collection method: clinical testing. Allele origin: germline.

Women's Health and Genetics/Laboratory Corporation of America, LabCorp
Classification: Uncertain significance. Last evaluated: 2024-03-30. Review status: criteria provided, single submitter. Criteria: LabCorp Variant Classification Summary - May 2015. Collection method: clinical testing. Allele origin: germline.

NM_004100.5(EYA4):c.458C>G (p.Ser153Cys)

Gene: EYA4 (EYA transcriptional coactivator and phosphatase 4; plus strand). Cytogenetic location: 6q23.2.
Variant type: single nucleotide variant.
Coding change: c.458C>G on transcript NM_004100.5 (MANE Select); coding-DNA position 458, C replaced by G.
Protein change: p.Ser153Cys; replaces serine 153 with cysteine.
Molecular consequence: missense variant.
Genome position (GRCh38, 1-based): chr6:133,462,355, C>G. VCF-style: chr6-133462355-C-G. GRCh37 (hg19) VCF-style: chr6-133783493-C-G.
Other names: c.296C>G, p.Ser99Cys (NM_001301012.2, NM_001370459.1); c.458C>G, p.Ser153Cys (NM_001301013.2, NM_172105.4); c.389C>G, p.Ser130Cys (NM_001370458.1, NM_172103.4); short protein forms S153C, S130C, S99C.
Identifiers: ClinVar variation 518569 (VCV000518569.16), dbSNP rs1554261941, ClinGen allele CA365697595.